The following is an entry in ClinVar:

ClinVar aggregate classification (germline): Uncertain significance (1 of 4 stars; one submission).

Conditions:
Emery-Dreifuss muscular dystrophy 5, autosomal dominant (EDMD5). Also called: EMERY-DREIFUSS MUSCULAR DYSTROPHY 5. Identifiers: Orphanet 261, MedGen C2751805, MONDO:0013072, OMIM 612999.

Allele frequency attached by ClinVar (database versions not stated): gnomAD exomes below 0.00001.
gnomAD v4.1: 1 of 1,614,130 alleles (0.000062%); highest among the groups gnomAD compares: Non-Finnish European, 0.000085%; no homozygotes.

Submission:

Labcorp Genetics (formerly Invitae), Labcorp
Classification: Uncertain significance for Emery-Dreifuss muscular dystrophy 5, autosomal dominant. Last evaluated: 2019-10-27. Review status: criteria provided, single submitter. Criteria: Invitae Variant Classification Sherloc (09022015). Collection method: clinical testing. Allele origin: germline.
Comment: This sequence change replaces cysteine with phenylalanine at codon 172 of the SYNE2 protein (p.Cys172Phe). The cysteine residue is weakly conserved and there is a large physicochemical difference between cysteine and phenylalanine. In summary, the available evidence is currently insufficient to determine the role of this variant in disease. Therefore, it has been classified as a Variant of Uncertain Significance. Algorithms developed to predict the effect of missense changes on protein structure and function are either unavailable or do not agree on the potential impact of this missense change (SIFT: "Tolerated"; PolyPhen-2: "Possibly Damaging"; Align-GVGD: "Class C0"). This variant has not been reported in the literature in individuals with SYNE2-related conditions. This variant is not present in population databases (ExAC no frequency).

NM_182914.3(SYNE2):c.515G>T (p.Cys172Phe)

Gene: SYNE2 (spectrin repeat containing nuclear envelope protein 2; plus strand). Cytogenetic location: 14q23.2.
Variant type: single nucleotide variant.
Coding change: c.515G>T on transcript NM_182914.3 (MANE Select); coding-DNA position 515, G replaced by T.
Protein change: p.Cys172Phe; replaces cysteine 172 with phenylalanine.
Molecular consequence: missense variant.
Genome position (GRCh38, 1-based): chr14:63,949,931, G>T. VCF-style: chr14-63949931-G-T. GRCh37 (hg19) VCF-style: chr14-64416649-G-T.
Other names: c.515G>T, p.Cys172Phe (NM_015180.6); short protein forms C172F.
Identifiers: ClinVar variation 966046 (VCV000966046.9), dbSNP rs2096123588, ClinGen allele CA389939107.